The following is an entry in ClinVar:

NM_014629.4(ARHGEF10):c.2736C>T (p.Ile912=)

Gene: ARHGEF10 (Rho guanine nucleotide exchange factor 10; plus strand). Cytogenetic location: 8p23.3.
Variant type: single nucleotide variant.
Coding change: c.2736C>T on transcript NM_014629.4 (MANE Select); coding-DNA position 2736, C replaced by T.
Protein change: p.Ile912=; no amino-acid change (isoleucine 912 retained).
Molecular consequence: synonymous variant.
Genome position (GRCh38, 1-based): chr8:1,928,465, C>T. VCF-style: chr8-1928465-C-T. GRCh37 (hg19) VCF-style: chr8-1876631-C-T.
Other names: p.Ile912=; c.2622C>T, p.Ile874= (NM_001308152.2); c.2736C>T, p.Ile912= (NM_001308153.3).
Identifiers: ClinVar variation 1282318 (VCV001282318.13), dbSNP rs2272611, ClinGen allele CA4601055.

ClinVar aggregate classification (germline): Benign. Review status: criteria provided, multiple submitters, no conflicts (2 of 4 stars). 5 submissions from 5 submitters: Benign (4). 1 of the submissions does not count toward it. Last evaluated 2026-02-02.

Conditions:
ARHGEF10-related disorder. Also called: ARHGEF10-related condition.

Allele frequency attached by ClinVar (database versions not stated): ESP Exome Variant Server 0.13655; gnomAD 0.14243 and 0.14232; ExAC 0.15641; gnomAD exomes 0.16087; 1000 Genomes Project 0.14437; TOPMed 0.14481; 1000 Genomes Project 30x 0.14335.
gnomAD v4.1: 233,933 of 1,612,186 alleles (15%); highest among the groups gnomAD compares: Admixed American, 23%; 17,512 homozygotes.

Submissions (5):

Labcorp Genetics (formerly Invitae), Labcorp
Classification: Benign. Last evaluated: 2026-02-02. Review status: criteria provided, single submitter. Criteria: Invitae Variant Classification Sherloc (09022015). Collection method: clinical testing. Allele origin: germline.

GeneDx
Classification: Benign. Last evaluated: 2021-05-04. Review status: criteria provided, single submitter. Criteria: GeneDx Variant Classification Process June 2021. Collection method: clinical testing. Allele origin: germline. Affected: yes.

Mayo Clinic Laboratories, Mayo Clinic
Classification: Benign. Last evaluated: 2015-10-21. Review status: criteria provided, single submitter. Criteria: ACMG Guidelines, 2015. Collection method: clinical testing. Allele origin: germline. Observed: 226 variant alleles.

Breakthrough Genomics
Classification: Benign. Review status: criteria provided, single submitter. Criteria: ACMG Guidelines, 2015. Collection method: not provided. Allele origin: germline. Inheritance: Autosomal dominant inheritance. Affected: yes.

PreventionGenetics, part of Exact Sciences
Classification: Benign for ARHGEF10-related condition. Last evaluated: 2019-03-18. Review status: no assertion criteria provided. Collection method: clinical testing. Allele origin: germline. Not counted in ClinVar's aggregate classification.
Comment: This variant is classified as benign based on ACMG/AMP sequence variant interpretation guidelines (Richards et al. 2015 PMID: 25741868, with internal and published modifications).